The following is an entry in ClinVar:

NM_005585.5(SMAD6):c.931A>G (p.Thr311Ala)

Gene: SMAD6 (SMAD family member 6; plus strand). Cytogenetic location: 15q22.31.
Variant type: single nucleotide variant.
Coding change: c.931A>G on transcript NM_005585.5 (MANE Select); coding-DNA position 931, A replaced by G.
Protein change: p.Thr311Ala; replaces threonine 311 with alanine.
Molecular consequence: missense variant. On other transcripts: non-coding transcript variant (1).
Genome position (GRCh38, 1-based): chr15:66,716,477, A>G. VCF-style: chr15-66716477-A-G. GRCh37 (hg19) VCF-style: chr15-67008815-A-G.
Other names: short protein forms T311A.
Identifiers: ClinVar variation 5029776 (VCV005029776.1).

ClinVar aggregate classification (germline): Uncertain significance (1 of 4 stars; one submission).

Conditions:
Inborn genetic diseases. Identifiers: MedGen C0950123, MeSH D030342.

gnomAD v4.1: 1 of 1,613,236 alleles (0.000062%); highest among the groups gnomAD compares: Non-Finnish European, 0.000085%; no homozygotes.

Submission:

Ambry Genetics
Classification: Uncertain significance for Inborn genetic diseases. Last evaluated: 2026-08-03. Review status: criteria provided, single submitter. Criteria: Ambry Variant Classification Scheme 2023. Collection method: clinical testing. Allele origin: germline.
Comment: The p.T311A variant (also known as c.931A>G), located in coding exon 3 of the SMAD6 gene, results from an A to G substitution at nucleotide position 931. The threonine at codon 311 is replaced by alanine, an amino acid with similar properties. This amino acid position is conserved. In addition, this alteration is predicted to be tolerated by in silico analysis. Based on the available evidence, the clinical significance of this variant remains unclear.